The following is an entry in ClinVar:

NM_000179.3(MSH6):c.3746_3749dup (p.His1250fs)

Gene: MSH6 (mutS homolog 6; plus strand). Cytogenetic location: 2p16.3.
Variant type: Duplication.
Coding change: c.3746_3749dup on transcript NM_000179.3 (MANE Select); coding-DNA positions 3746 to 3749, 4 bases duplicated (ACCA; older notation c.3746_3749dupACCA).
Protein change: p.His1250fs; shifts the reading frame from histidine 1250.
Molecular consequence: frameshift variant.
Genome position (GRCh38, 1-based): chr2:47,806,303-47,806,306, ACCA duplicated. VCF-style (leftmost placement, unchanged base first): chr2-47806302-T-TACCA. GRCh37 (hg19) VCF-style: chr2-48033441-T-TACCA.
Other names: c.3356_3359dup, p.His1120fs (NM_001281492.2); c.2840_2843dup, p.His948fs (NM_001281493.2, NM_001281494.2); c.3746_3749dupACCA (NM_000179.2); short protein forms H1250fs, H948fs, H1120fs.
Identifiers: ClinVar variation 127590 (VCV000127590.12), dbSNP rs587779936, ClinGen allele CA014163.

ClinVar aggregate classification (germline): Pathogenic. Review status: criteria provided, multiple submitters, no conflicts (2 of 4 stars). 4 submissions from 4 submitters: Pathogenic (4). Last evaluated 2024-04-30.

Conditions:
Hereditary cancer-predisposing syndrome. Also called: Hereditary Cancer Syndrome; Hereditary neoplastic syndrome; Tumor predisposition; Neoplastic Syndromes, Hereditary. Identifiers: Orphanet 140162, MedGen C0027672, MeSH D009386, MONDO:0015356.
Hereditary nonpolyposis colorectal neoplasms. Identifiers: MedGen C0009405, MeSH D003123.
Lynch syndrome 5 (LYNCH5). Also called: Colorectal cancer, hereditary nonpolyposis, type 5; Hereditary non-polyposis colorectal cancer, type 5. Identifiers: Orphanet 144, MedGen C1833477, MONDO:0013710, OMIM 614350. Disease mechanism: loss of function.

Submissions (4):

Labcorp Genetics (formerly Invitae), Labcorp
Classification: Pathogenic for Hereditary nonpolyposis colorectal neoplasms. Last evaluated: 2024-04-30. Review status: criteria provided, single submitter. Criteria: Invitae Variant Classification Sherloc (09022015). Collection method: clinical testing. Allele origin: germline.
Comment: This sequence change creates a premature translational stop signal (p.His1250Glnfs*26) in the MSH6 gene. It is expected to result in an absent or disrupted protein product. Loss-of-function variants in MSH6 are known to be pathogenic (PMID: 18269114, 24362816). This variant is not present in population databases (gnomAD no frequency). This premature translational stop signal has been observed in individual(s) with endometrial cancer (PMID: 26681312). ClinVar contains an entry for this variant (Variation ID: 127590). For these reasons, this variant has been classified as Pathogenic.

Myriad Genetics, Inc.
Classification: Pathogenic for Lynch syndrome 5. Last evaluated: 2023-08-25. Review status: criteria provided, single submitter. Criteria: Myriad Autosomal Dominant, Autosomal Recessive and X-Linked Classification Criteria (2023). Collection method: clinical testing. Allele origin: unknown.
Comment: This variant is considered pathogenic. This variant creates a frameshift predicted to result in premature protein truncation.

Ambry Genetics
Classification: Pathogenic for Hereditary cancer-predisposing syndrome. Last evaluated: 2021-10-28. Review status: criteria provided, single submitter. Criteria: Ambry Variant Classification Scheme 2023. Collection method: clinical testing. Allele origin: germline.
Comment: The c.3746_3749dupACCA pathogenic mutation, located in coding exon 8 of the MSH6 gene, results from a duplication of ACCA at nucleotide position 3746, causing a translational frameshift with a predicted alternate stop codon (p.H1250Qfs*26). This mutation has been reported in several Lynch syndrome individuals (Maxwell KN et al. Am J Hum Genet, 2016 May;98:801-817; Susswein LR et al. Genet Med, 2016 08;18:823-32; Roberts ME et al. Genet Med, 2018 10;20:1167-1174). This alteration is expected to result in loss of function by premature protein truncation or nonsense-mediated mRNA decay. As such, this alteration is interpreted as a disease-causing mutation.

GeneDx
Classification: Pathogenic for Neoplastic Syndromes, Hereditary. Last evaluated: 2014-02-19. Review status: criteria provided, single submitter. Criteria: GeneDx Variant Classification (06012015). Collection method: clinical testing. Allele origin: germline. Affected: yes.
Comment: This variant is denoted MSH6 c.3749_3750insACCA(aka c.3746_3749dupACCA) at the cDNA level and p.His1250GlnfsX26 (H1250QfsX26) at the protein level. The normal sequence, with the bases that are duplicated in brackets, is CACT{dupACCA}TTCA. The duplication causes a frameshift, which changes a Histidine to a Glutamine at codon 1250 in exon 8, and creates a premature stop codon at position 26 of the new reading frame. This mutation is predicted to cause loss of normal protein function through either protein truncation or nonsense-mediated mRNA decay. Although this mutation has not been previously reported to our knowledge, it is considered pathogenic. and is indicative of Lynch syndrome, an autosomal dominant condition that predisposes to colorectal and endometrial cancer as well as other cancers. The predominant MSH6-related cancer risks for individuals who have not been diagnosed with cancer have been estimated as 44% lifetime risk for colorectal cancer for men, 20% lifetime risk for colorectal cancer in women, 44% lifetime risk for endometrial cancer and 1-11% risk for ovarian cancer in women (Baglietto 2010, Kohlmann 2012). MSH6 carriers also have an increased risk for ovarian, stomach, biliary tract, small bowel, urothelium, and brain cancers (Baglietto 2010). A recent prospective study reported an increased risk for breast cancer and pancreatic cancer in individuals with Lynch syndrome (Win 2012). Some individuals with Lynch syndrome have sebaceous neoplasms of the skin (Muir Torre variant) or glioblastomas (Turcot variant). Individuals with Lynch syndrome who have been diagnosed with colon or endometrial cancers have an increased risk for a second primary diagnosis of a Lynch syndrome-associated cancer (Palomaki 2009, Win 2013).Constitutional mismatch repair deficiency (CMMR-D) syndrome is a rare autosomal recessive condition caused by two mutations (one affecting each allele) of the mismatch repair genes including MSH6 This condition is characterized by an increased risk for certain cancers in children including hematologic malignancies, brain tumors, and colon cancer as well as multiple adenomatous polyps and café-au-lait macules (Durno 2010, Wimmer 2010). If a MSH6 mutation carrier's partner is also heterozygous for a MSH6 mutation, the risk to have a child with CMMR-D is 25% with each pregnancy. The variant is found in COLYNCH-HEREDIC panel(s).

Literature cited by the submitters: PubMed 18269114 (cited by Labcorp Genetics (formerly Invitae), Labcorp); PubMed 24362816 (cited by Labcorp Genetics (formerly Invitae), Labcorp); PubMed 26681312 (cited by Labcorp Genetics (formerly Invitae), Labcorp and Ambry Genetics); PubMed 27153395 (cited by Ambry Genetics); PubMed 29345684 (cited by Ambry Genetics).